The following is an entry in ClinVar:

ClinVar aggregate classification (germline): Benign/Likely benign. Review status: criteria provided, multiple submitters, no conflicts (2 of 4 stars). 4 submissions from 4 submitters: Benign (2); Likely benign (1). 1 of the submissions does not count toward it. Last evaluated 2025-12-08.

Conditions:
FGFRL1-related disorder. Also called: FGFRL1-related condition.

Allele frequency attached by ClinVar (database versions not stated): gnomAD exomes 0.00104; ExAC 0.00133; ESP Exome Variant Server 0.00332; gnomAD 0.00391 and 0.00402; TOPMed 0.00437; 1000 Genomes Project 0.00759; 1000 Genomes Project 30x 0.00828.
gnomAD v4.1: 1,195 of 1,605,822 alleles (0.074%); highest among the groups gnomAD compares: African/African-American, 1.2%; 7 homozygotes.

Submissions (4):

Labcorp Genetics (formerly Invitae), Labcorp
Classification: Benign. Last evaluated: 2025-12-08. Review status: criteria provided, single submitter. Criteria: Invitae Variant Classification Sherloc (09022015). Collection method: clinical testing. Allele origin: germline.

CeGaT Center for Human Genetics Tuebingen
Classification: Likely benign. Last evaluated: 2025-09-01. Review status: criteria provided, single submitter. Criteria: CeGaT Center For Human Genetics Tuebingen Variant Classification Criteria Version 2. Collection method: clinical testing. Allele origin: germline. Affected: yes. Observed: 1 variant allele.
Comment: FGFRL1: BS1

Breakthrough Genomics
Classification: Benign. Review status: criteria provided, single submitter. Criteria: ACMG Guidelines, 2015. Collection method: not provided. Allele origin: germline. Inheritance: Unknown mechanism. Affected: yes.

PreventionGenetics, part of Exact Sciences
Classification: Benign for FGFRL1-related condition. Last evaluated: 2019-05-23. Review status: no assertion criteria provided. Collection method: clinical testing. Allele origin: germline. Not counted in ClinVar's aggregate classification.
Comment: This variant is classified as benign based on ACMG/AMP sequence variant interpretation guidelines (Richards et al. 2015 PMID: 25741868, with internal and published modifications).

NM_001004356.3(FGFRL1):c.738C>T (p.Pro246=)

Gene: FGFRL1 (fibroblast growth factor receptor like 1; plus strand). Cytogenetic location: 4p16.3.
Variant type: single nucleotide variant.
Coding change: c.738C>T on transcript NM_001004356.3 (MANE Select); coding-DNA position 738, C replaced by T.
Protein change: p.Pro246=; no amino-acid change (proline 246 retained).
Molecular consequence: synonymous variant.
Genome position (GRCh38, 1-based): chr4:1,024,330, C>T. VCF-style: chr4-1024330-C-T. GRCh37 (hg19) VCF-style: chr4-1018118-C-T.
Other names: c.738C>T, p.Pro246= (NM_001004358.1, NM_001370296.1, NM_021923.3).
Identifiers: ClinVar variation 713302 (VCV000713302.19), dbSNP rs114935241, ClinGen allele CA2802849.